The following is an entry in ClinVar:

NM_001013703.4(EIF2AK4):c.*16G>A

Gene: EIF2AK4 (eukaryotic translation initiation factor 2 alpha kinase 4; plus strand). Cytogenetic location: 15q15.1.
Variant type: single nucleotide variant.
Coding change: c.*16G>A on transcript NM_001013703.4 (MANE Select); 16 bases downstream of the stop codon, G replaced by A.
Molecular consequence: 3 prime UTR variant.
Genome position (GRCh38, 1-based): chr15:40,035,100, G>A. VCF-style: chr15-40035100-G-A. GRCh37 (hg19) VCF-style: chr15-40327301-G-A.
Identifiers: ClinVar variation 381187 (VCV000381187.13), dbSNP rs2898985, ClinGen allele CA7474837.

ClinVar aggregate classification (germline): Benign. Review status: criteria provided, multiple submitters, no conflicts (2 of 4 stars). 4 submissions from 4 submitters: Benign (4). Last evaluated 2024-11-27.

Conditions:
Familial pulmonary capillary hemangiomatosis (PVOD2). Also called: Pulmonary venoocclusive disease 2, autosomal recessive; Pulmonary venoocclusive disease 2. Identifiers: Orphanet 199241, MedGen C0340848, MONDO:0009329, OMIM 234810.

Allele frequency attached by ClinVar (database versions not stated): gnomAD exomes 0.06836 and 0.16174; ESP Exome Variant Server 0.13294; ExAC 0.15446; gnomAD 0.17137 and 0.17507; TOPMed 0.19756; 1000 Genomes Project 0.30970; 1000 Genomes Project 30x 0.31059.
gnomAD v4.1: 122,486 of 1,535,740 alleles (8%); highest among the groups gnomAD compares: East Asian, 44%; 16,223 homozygotes.

Submissions (4):

Blueprint Genetics
Classification: Benign. Last evaluated: 2024-11-27. Review status: criteria provided, single submitter. Criteria: ACMG Guidelines, 2015. Collection method: clinical testing. Allele origin: germline.

ARUP Laboratories, Molecular Genetics and Genomics, ARUP Laboratories
Classification: Benign for Familial pulmonary capillary hemangiomatosis. Last evaluated: 2021-02-05. Review status: criteria provided, single submitter. Criteria: ARUP Molecular Germline Variant Investigation Process 2021. Collection method: clinical testing. Allele origin: germline.

GeneDx
Classification: Benign. Last evaluated: 2016-10-31. Review status: criteria provided, single submitter. Criteria: GeneDx Variant Classification (06012015). Collection method: clinical testing. Allele origin: germline. Affected: yes.
Comment: This variant is considered likely benign or benign based on one or more of the following criteria: it is a conservative change, it occurs at a poorly conserved position in the protein, it is predicted to be benign by multiple in silico algorithms, and/or has population frequency not consistent with disease.

Breakthrough Genomics
Classification: Benign. Review status: criteria provided, single submitter. Criteria: ACMG Guidelines, 2015. Collection method: not provided. Allele origin: germline. Inheritance: Autosomal recessive inheritance. Affected: yes.